The following is an entry in ClinVar:

ClinVar aggregate classification (germline): Uncertain significance. Review status: criteria provided, multiple submitters, no conflicts (2 of 4 stars). 2 submissions from 2 submitters: Uncertain significance (2). Last evaluated 2024-08-31.

Allele frequency attached by ClinVar (database versions not stated): gnomAD 0.00001; gnomAD exomes 0.00001; TOPMed 0.00003.
gnomAD v4.1: 16 of 1,552,630 alleles (0.001%); highest among the groups gnomAD compares: African/African-American, 0.0014%; no homozygotes.

Submissions (2):

Labcorp Genetics (formerly Invitae), Labcorp
Classification: Uncertain significance. Last evaluated: 2024-08-31. Review status: criteria provided, single submitter. Criteria: Invitae Variant Classification Sherloc (09022015). Collection method: clinical testing. Allele origin: germline.
Comment: This sequence change replaces proline, which is neutral and non-polar, with leucine, which is neutral and non-polar, at codon 265 of the PLEKHM2 protein (p.Pro265Leu). The frequency data for this variant in the population databases is considered unreliable, as metrics indicate poor data quality at this position in the gnomAD database. This variant has not been reported in the literature in individuals affected with PLEKHM2-related conditions. An algorithm developed to predict the effect of missense changes on protein structure and function (PolyPhen-2) suggests that this variant is likely to be disruptive. In summary, the available evidence is currently insufficient to determine the role of this variant in disease. Therefore, it has been classified as a Variant of Uncertain Significance.

Blueprint Genetics
Classification: Uncertain significance. Last evaluated: 2024-02-20. Review status: criteria provided, single submitter. Criteria: ACMG Guidelines, 2015. Collection method: clinical testing. Allele origin: germline.

NM_015164.4(PLEKHM2):c.794C>T (p.Pro265Leu)

Gene: PLEKHM2 (pleckstrin homology and RUN domain containing M2; plus strand). Cytogenetic location: 1p36.21.
Variant type: single nucleotide variant.
Coding change: c.794C>T on transcript NM_015164.4 (MANE Select); coding-DNA position 794, C replaced by T.
Protein change: p.Pro265Leu; replaces proline 265 with leucine.
Molecular consequence: missense variant.
Genome position (GRCh38, 1-based): chr1:15,725,398, C>T. VCF-style: chr1-15725398-C-T. GRCh37 (hg19) VCF-style: chr1-16051893-C-T.
Other names: c.734C>T, p.Pro245Leu (NM_001410755.1); short protein forms P245L, P265L.
Identifiers: ClinVar variation 2958776 (VCV002958776.4), dbSNP rs1344560913, ClinGen allele CA338582854.